The following is an entry in ClinVar:

NM_002905.5(RDH5):c.381C>G (p.Asp127Glu)

Genes: BLOC1S1-RDH5 (BLOC1S1-RDH5 readthrough; plus strand), RDH5 (retinol dehydrogenase 5; plus strand). Cytogenetic location: 12q13.2.
Variant type: single nucleotide variant.
Coding change: c.381C>G on transcript NM_002905.5 (MANE Select); coding-DNA position 381, C replaced by G.
Protein change: p.Asp127Glu; replaces aspartic acid 127 with glutamic acid.
Molecular consequence: missense variant. On other transcripts: non-coding transcript variant (1).
Genome position (GRCh38, 1-based): chr12:55,721,759, C>G. VCF-style: chr12-55721759-C-G. GRCh37 (hg19) VCF-style: chr12-56115543-C-G.
Other names: c.381C>G, p.Asp127Glu (NM_001199771.3); short protein forms D127E.
Identifiers: ClinVar variation 1385788 (VCV001385788.6), dbSNP rs141993855, ClinGen allele CA385200708.

ClinVar aggregate classification (germline): Uncertain significance (1 of 4 stars; one submission).

Submission:

Labcorp Genetics (formerly Invitae), Labcorp
Classification: Uncertain significance. Last evaluated: 2022-02-24. Review status: criteria provided, single submitter. Criteria: Invitae Variant Classification Sherloc (09022015). Collection method: clinical testing. Allele origin: germline.
Comment: This variant is not present in population databases (gnomAD no frequency). This sequence change replaces aspartic acid, which is acidic and polar, with glutamic acid, which is acidic and polar, at codon 127 of the RDH5 protein (p.Asp127Glu). This variant has not been reported in the literature in individuals affected with RDH5-related conditions. Algorithms developed to predict the effect of missense changes on protein structure and function output the following: SIFT: "Tolerated"; PolyPhen-2: "Benign"; Align-GVGD: "Class C0". The glutamic acid amino acid residue is found in multiple mammalian species, which suggests that this missense change does not adversely affect protein function. In summary, the available evidence is currently insufficient to determine the role of this variant in disease. Therefore, it has been classified as a Variant of Uncertain Significance.